The following is an entry in ClinVar:

ClinVar aggregate classification (germline): Uncertain significance (1 of 4 stars; one submission).

gnomAD v4.1: 2 of 1,612,794 alleles (0.00012%); highest among the groups gnomAD compares: Middle Eastern, 0.033%; no homozygotes.

Submission:

Labcorp Genetics (formerly Invitae), Labcorp
Classification: Uncertain significance. Last evaluated: 2021-08-31. Review status: criteria provided, single submitter. Criteria: Invitae Variant Classification Sherloc (09022015). Collection method: clinical testing. Allele origin: germline.
Comment: This sequence change replaces aspartic acid with alanine at codon 2186 of the USH2A protein (p.Asp2186Ala). The aspartic acid residue is moderately conserved and there is a moderate physicochemical difference between aspartic acid and alanine. This variant is not present in population databases (ExAC no frequency). This variant has not been reported in the literature in individuals affected with USH2A-related conditions. Algorithms developed to predict the effect of missense changes on protein structure and function are either unavailable or do not agree on the potential impact of this missense change (SIFT: "Deleterious"; PolyPhen-2: "Benign"; Align-GVGD: "Class C45"). In summary, the available evidence is currently insufficient to determine the role of this variant in disease. Therefore, it has been classified as a Variant of Uncertain Significance.

NM_206933.4(USH2A):c.6557A>C (p.Asp2186Ala)

Gene: USH2A (usherin; minus strand). Cytogenetic location: 1q41.
Variant type: single nucleotide variant.
Coding change: c.6557A>C on transcript NM_206933.4 (MANE Select); coding-DNA position 6557, A replaced by C.
Protein change: p.Asp2186Ala; replaces aspartic acid 2186 with alanine.
Molecular consequence: missense variant.
Genome position (GRCh38, 1-based): chr1:215,998,987, T>G on the plus strand (A>C on the coding strand, the complement: USH2A is on the minus strand). VCF-style: chr1-215998987-T-G. GRCh37 (hg19) VCF-style: chr1-216172329-T-G.
Other names: short protein forms D2186A.
Identifiers: ClinVar variation 961066 (VCV000961066.7), dbSNP rs867309717, ClinGen allele CA37478519.
Genomic context (GRCh38, chr1:215,998,987, plus strand): 5'-TGTAGCATATGATCCTGGAAAAGTTCTGTACTGTTATAGATGACACTCCAAATTGTAAAA[T>G]CATGTGTATGGTTTGACATATATAATACATAGCGTTCCAGAATCCCACTTATTTTTCTTG-3'
Protein context (NP_996816.3, residues 2176-2196): YVLYMSNHTH[Asp2186Ala]FTIWSVIYNS